The following is an entry in ClinVar:

ClinVar aggregate classification (germline): Uncertain significance. Review status: criteria provided, multiple submitters, no conflicts (2 of 4 stars). 2 submissions from 2 submitters: Uncertain significance (2). Last evaluated 2025-06-12.

Submissions (2):

GeneDx
Classification: Uncertain significance. Last evaluated: 2025-06-12. Review status: criteria provided, single submitter. Criteria: GeneDx Variant Classification Process June 2021. Collection method: clinical testing. Allele origin: germline. Affected: yes.
Comment: Not observed at significant frequency in large population cohorts (gnomAD); In silico analysis supports that this missense variant has a deleterious effect on protein structure/function; Has not been previously published as pathogenic or benign to our knowledge

Labcorp Genetics (formerly Invitae), Labcorp
Classification: Uncertain significance. Last evaluated: 2024-11-08. Review status: criteria provided, single submitter. Criteria: Invitae Variant Classification Sherloc (09022015). Collection method: clinical testing. Allele origin: germline.
Comment: This sequence change replaces leucine, which is neutral and non-polar, with proline, which is neutral and non-polar, at codon 118 of the FGFR3 protein (p.Leu118Pro). This variant is not present in population databases (gnomAD no frequency). This variant has not been reported in the literature in individuals affected with FGFR3-related conditions. Invitae Evidence Modeling of protein sequence and biophysical properties (such as structural, functional, and spatial information, amino acid conservation, physicochemical variation, residue mobility, and thermodynamic stability) has been performed for this missense variant. However, the output from this modeling did not meet the statistical confidence thresholds required to predict the impact of this variant on FGFR3 protein function. In summary, the available evidence is currently insufficient to determine the role of this variant in disease. Therefore, it has been classified as a Variant of Uncertain Significance.

NM_000142.5(FGFR3):c.353T>C (p.Leu118Pro)

Gene: FGFR3 (fibroblast growth factor receptor 3; plus strand). Cytogenetic location: 4p16.3.
Variant type: single nucleotide variant.
Coding change: c.353T>C on transcript NM_000142.5 (MANE Select); coding-DNA position 353, T replaced by C.
Protein change: p.Leu118Pro; replaces leucine 118 with proline.
Molecular consequence: missense variant. On other transcripts: non-coding transcript variant (1).
Genome position (GRCh38, 1-based): chr4:1,799,497, T>C. VCF-style: chr4-1799497-T-C. GRCh37 (hg19) VCF-style: chr4-1801224-T-C.
Other names: c.353T>C, p.Leu118Pro (NM_001163213.2, NM_001354809.2, NM_001354810.2 and 1 more transcripts); short protein forms L118P.
Identifiers: ClinVar variation 3636988 (VCV003636988.3).